The following is an entry in ClinVar:

NM_006180.6(NTRK2):c.541A>G (p.Ser181Gly)

Gene: NTRK2 (neurotrophic receptor tyrosine kinase 2; plus strand). Cytogenetic location: 9q21.33.
Variant type: single nucleotide variant.
Coding change: c.541A>G on transcript NM_006180.6 (MANE Select); coding-DNA position 541, A replaced by G.
Protein change: p.Ser181Gly; replaces serine 181 with glycine.
Molecular consequence: missense variant.
Genome position (GRCh38, 1-based): chr9:84,710,749, A>G. VCF-style: chr9-84710749-A-G. GRCh37 (hg19) VCF-style: chr9-87325664-A-G.
Other names: c.541A>G, p.Ser181Gly (NM_001007097.3, NM_001018064.3, NM_001018065.2 and 18 more transcripts); c.73A>G, p.Ser25Gly (NM_001369535.1, NM_001369536.1, NM_001369550.1 and 2 more transcripts); short protein forms S181G, S25G.
Identifiers: ClinVar variation 3343310 (VCV003343310.3).
Genomic context (GRCh38, chr9:84,710,749, plus strand): 5'-ACTCTCCAAGAGGCTAAATCCAGTCCAGACACTCAGGATTTGTACTGCCTGAATGAAAGC[A>G]GCAAGAATATTCCCCTGGCAAACCTGCAGATACCCAATTGTGGTAATTTATTTTTAAATC-3'
Protein context (NP_006171.2, residues 171-191): TQDLYCLNES[Ser181Gly]KNIPLANLQI

ClinVar aggregate classification (germline): Uncertain significance. Review status: criteria provided, multiple submitters, no conflicts (2 of 4 stars). 2 submissions from 2 submitters: Uncertain significance (2). Last evaluated 2024-03-07.

Submissions (2):

Labcorp Genetics (formerly Invitae), Labcorp
Classification: Uncertain significance. Last evaluated: 2024-03-07. Review status: criteria provided, single submitter. Criteria: Invitae Variant Classification Sherloc (09022015). Collection method: clinical testing. Allele origin: germline.
Comment: This sequence change replaces serine, which is neutral and polar, with glycine, which is neutral and non-polar, at codon 181 of the NTRK2 protein (p.Ser181Gly). This variant is not present in population databases (gnomAD no frequency). This variant has not been reported in the literature in individuals affected with NTRK2-related conditions. Advanced modeling of protein sequence and biophysical properties (such as structural, functional, and spatial information, amino acid conservation, physicochemical variation, residue mobility, and thermodynamic stability) performed at Invitae indicates that this missense variant is expected to disrupt NTRK2 protein function with a positive predictive value of 95%. In summary, the available evidence is currently insufficient to determine the role of this variant in disease. Therefore, it has been classified as a Variant of Uncertain Significance.

GeneDx
Classification: Uncertain significance. Last evaluated: 2023-05-11. Review status: criteria provided, single submitter. Criteria: GeneDx Variant Classification Process June 2021. Collection method: clinical testing. Allele origin: germline. Affected: yes.
Comment: Not observed at significant frequency in large population cohorts (gnomAD); In silico analysis supports that this missense variant does not alter protein structure/function; Has not been previously published as pathogenic or benign to our knowledge